The following is an entry in ClinVar:

ClinVar aggregate classification (germline): Uncertain significance (1 of 4 stars; one submission).

Conditions:
Holocarboxylase synthetase deficiency. Also called: MULTIPLE CARBOXYLASE DEFICIENCY, EARLY ONSET. Identifiers: Orphanet 79242, MedGen C0268581, MONDO:0009666, OMIM 253270.

Submission:

Myriad Genetics, Inc.
Classification: Uncertain significance for Holocarboxylase synthetase deficiency. Last evaluated: 2026-02-13. Review status: criteria provided, single submitter. Criteria: Myriad Autosomal Dominant, Autosomal Recessive and X-Linked Classification Criteria (2023). Collection method: clinical testing. Allele origin: unknown.
Comment: NM_000411.6(HLCS):c.2148delG(M716Ifs*2) is a frameshift variant classified as a variant of uncertain significance in the context of holocarboxylase synthetase deficiency. M716Ifs*2 has not been observed in cases with relevant disease. Relevant functional assessments of this variant are not available in the literature. M716Ifs*2 has not been observed in referenced population frequency databases. In summary, there is insufficient evidence to classify NM_000411.6(HLCS):c.2148delG(M716Ifs*2) as pathogenic or benign. Please note: this variant was assessed in the context of healthy population screening.

NM_001352514.2(HLCS):c.2589del (p.Met863fs)

Gene: HLCS (holocarboxylase synthetase; minus strand). Cytogenetic location: 21q22.13.
Variant type: Deletion.
Coding change: c.2589del on transcript NM_001352514.2 (MANE Select); coding-DNA position 2589, one base deleted (G; older notation c.2589delG).
Protein change: p.Met863fs; shifts the reading frame from methionine 863.
Molecular consequence: frameshift variant. On other transcripts: non-coding transcript variant (2).
Genome position (GRCh38, 1-based): chr21:36,754,279, C deleted on the plus strand (G on the coding strand, the reverse complement: HLCS is on the minus strand). VCF-style (leftmost placement, unchanged base first): chr21-36754278-GC-G. GRCh37 (hg19) VCF-style: chr21-38126579-GC-G.
Other names: c.2148del, p.Met716fs (NM_001352517.1, NM_001352518.2, NM_000411.8 and 4 more transcripts); short protein forms M716fs, M863fs.
Identifiers: ClinVar variation 5004472 (VCV005004472.1).